The following is an entry in ClinVar:

NM_000080.4(CHRNE):c.328A>G (p.Ile110Val)

Genes: C17orf107 (chromosome 17 open reading frame 107; plus strand), CHRNE (cholinergic receptor nicotinic epsilon subunit; minus strand). Cytogenetic location: 17p13.2.
Variant type: single nucleotide variant.
Coding change: c.328A>G on transcript NM_000080.4 (MANE Select); coding-DNA position 328, A replaced by G.
Protein change: p.Ile110Val; replaces isoleucine 110 with valine.
Molecular consequence: missense variant. On other transcripts: 3 prime UTR variant (1).
Genome position (GRCh38, 1-based): chr17:4,902,233, T>C on the plus strand (A>G on the coding strand, the complement: CHRNE is on the minus strand). VCF-style: chr17-4902233-T-C. GRCh37 (hg19) VCF-style: chr17-4805528-T-C.
Other names: c.*1700T>C (NM_001145536.2); short protein forms I110V.
Identifiers: ClinVar variation 2130778 (VCV002130778.4), dbSNP rs2507561388, ClinGen allele CA397306495.

ClinVar aggregate classification (germline): Uncertain significance (1 of 4 stars; one submission).

Conditions:
Congenital myasthenic syndrome 4A. Also called: CONGENITAL MYASTHENIC SYNDROME TYPE Ia1; Myasthenic syndrome, congenital, 4a, slow-channel; MYASTHENIC SYNDROME, CONGENITAL, 4A, SLOW-CHANNEL, AUTOSOMAL RECESSIVE. Identifiers: Orphanet 590, MedGen C4225413, MONDO:0011600, OMIM 605809.

Submission:

Labcorp Genetics (formerly Invitae), Labcorp
Classification: Uncertain significance for Congenital myasthenic syndrome 4A. Last evaluated: 2023-03-23. Review status: criteria provided, single submitter. Criteria: Invitae Variant Classification Sherloc (09022015). Collection method: clinical testing. Allele origin: germline.
Comment: This sequence change replaces isoleucine, which is neutral and non-polar, with valine, which is neutral and non-polar, at codon 110 of the CHRNE protein (p.Ile110Val). This variant is not present in population databases (gnomAD no frequency). This variant has not been reported in the literature in individuals affected with CHRNE-related conditions. ClinVar contains an entry for this variant (Variation ID: 2130778). Advanced modeling of protein sequence and biophysical properties (such as structural, functional, and spatial information, amino acid conservation, physicochemical variation, residue mobility, and thermodynamic stability) performed at Invitae indicates that this missense variant is not expected to disrupt CHRNE protein function. In summary, the available evidence is currently insufficient to determine the role of this variant in disease. Therefore, it has been classified as a Variant of Uncertain Significance.